The following is an entry in ClinVar:

ClinVar aggregate classification (germline): Uncertain significance (1 of 4 stars; one submission).

Submission:

GeneDx
Classification: Uncertain significance. Last evaluated: 2026-03-06. Review status: criteria provided, single submitter. Criteria: GeneDx Variant Classification Process June 2021. Collection method: clinical testing. Allele origin: germline.
Comment: Not observed at significant frequency in large population cohorts (gnomAD); In silico analysis suggests that this missense variant does not alter protein structure/function; Has not been previously published as pathogenic or benign to our knowledge

NM_198576.4(AGRN):c.4582C>G (p.Gln1528Glu)

Gene: AGRN (agrin; plus strand). Cytogenetic location: 1p36.33.
Variant type: single nucleotide variant.
Coding change: c.4582C>G on transcript NM_198576.4 (MANE Select); coding-DNA position 4582, C replaced by G.
Protein change: p.Gln1528Glu; replaces glutamine 1528 with glutamic acid.
Molecular consequence: missense variant.
Genome position (GRCh38, 1-based): chr1:1,049,633, C>G. VCF-style: chr1-1049633-C-G. GRCh37 (hg19) VCF-style: chr1-985013-C-G.
Other names: c.4582C>G, p.Gln1528Glu (NM_001305275.2); c.4267C>G, p.Gln1423Glu (NM_001364727.2); short protein forms Q1528E, Q1423E.
Identifiers: ClinVar variation 5008286 (VCV005008286.1).
Genomic context (GRCh38, chr1:1,049,633, plus strand): 5'-GAGCGGACCTTCGTGGGCGCCGGCCTGAGGGGGTGCATCCGTTTGCTGGACGTCAACAAC[C>G]AGCGCCTGGAGCTTGGCATTGGGCCGGGGGCTGCCACCCGAGGCTCTGGCGTGGGCGAGT-3'
Protein context (NP_940978.2, residues 1518-1538): GCIRLLDVNN[Gln1528Glu]RLELGIGPGA